The following is an entry in ClinVar:

ClinVar aggregate classification (germline): Uncertain significance (1 of 4 stars; one submission).

Submission:

Labcorp Genetics (formerly Invitae), Labcorp
Classification: Uncertain significance. Last evaluated: 2022-04-18. Review status: criteria provided, single submitter. Criteria: Invitae Variant Classification Sherloc (09022015). Collection method: clinical testing. Allele origin: germline.
Comment: This variant has not been reported in the literature in individuals affected with WNT1-related conditions. This variant is not present in population databases (gnomAD no frequency). This sequence change replaces cysteine, which is neutral and slightly polar, with glycine, which is neutral and non-polar, at codon 369 of the WNT1 protein (p.Cys369Gly). Advanced modeling of protein sequence and biophysical properties (such as structural, functional, and spatial information, amino acid conservation, physicochemical variation, residue mobility, and thermodynamic stability) performed at Invitae indicates that this missense variant is expected to disrupt WNT1 protein function. In summary, the available evidence is currently insufficient to determine the role of this variant in disease. Therefore, it has been classified as a Variant of Uncertain Significance.

NM_005430.4(WNT1):c.1105T>G (p.Cys369Gly)

Gene: WNT1 (Wnt family member 1; plus strand). Cytogenetic location: 12q13.12.
Variant type: single nucleotide variant.
Coding change: c.1105T>G on transcript NM_005430.4 (MANE Select); coding-DNA position 1105, T replaced by G.
Protein change: p.Cys369Gly; replaces cysteine 369 with glycine.
Molecular consequence: missense variant.
Genome position (GRCh38, 1-based): chr12:48,981,632, T>G. VCF-style: chr12-48981632-T-G. GRCh37 (hg19) VCF-style: chr12-49375415-T-G.
Other names: short protein forms C369G.
Identifiers: ClinVar variation 2122463 (VCV002122463.4), dbSNP rs2498949223, ClinGen allele CA384639404.